The following is an entry in ClinVar:

ClinVar aggregate classification (germline): Uncertain significance (1 of 4 stars; one submission).

Conditions:
Achondrogenesis, type IA (ACG1A). Identifiers: Orphanet 932, Orphanet 93299, MedGen C0265273, MONDO:0008701, OMIM 200600.

Allele frequency attached by ClinVar (database versions not stated): TOPMed below 0.00001; gnomAD exomes 0.00002.

Submission:

Labcorp Genetics (formerly Invitae), Labcorp
Classification: Uncertain significance for Achondrogenesis, type IA. Last evaluated: 2022-06-22. Review status: criteria provided, single submitter. Criteria: Invitae Variant Classification Sherloc (09022015). Collection method: clinical testing. Allele origin: germline.
Comment: This sequence change replaces alanine, which is neutral and non-polar, with glutamic acid, which is acidic and polar, at codon 62 of the TRIP11 protein (p.Ala62Glu). In summary, the available evidence is currently insufficient to determine the role of this variant in disease. Therefore, it has been classified as a Variant of Uncertain Significance. Algorithms developed to predict the effect of missense changes on protein structure and function are either unavailable or do not agree on the potential impact of this missense change (SIFT: "Not Available"; PolyPhen-2: "Benign"; Align-GVGD: "Not Available"). This variant has not been reported in the literature in individuals affected with TRIP11-related conditions. This variant is present in population databases (no rsID available, gnomAD 0.003%).

NM_004239.4(TRIP11):c.185C>A (p.Ala62Glu)

Gene: TRIP11 (thyroid hormone receptor interactor 11; minus strand). Cytogenetic location: 14q32.12.
Variant type: single nucleotide variant.
Coding change: c.185C>A on transcript NM_004239.4 (MANE Select); coding-DNA position 185, C replaced by A.
Protein change: p.Ala62Glu; replaces alanine 62 with glutamic acid.
Molecular consequence: missense variant.
Genome position (GRCh38, 1-based): chr14:92,033,208, G>T on the plus strand (C>A on the coding strand, the complement: TRIP11 is on the minus strand). VCF-style: chr14-92033208-G-T. GRCh37 (hg19) VCF-style: chr14-92499552-G-T.
Other names: c.182C>A, p.Ala61Glu (NM_001321851.1); short protein forms A61E, A62E.
Identifiers: ClinVar variation 2140632 (VCV002140632.4), dbSNP rs1180874938, ClinGen allele CA390667462.